The following is an entry in ClinVar:

NM_001369369.1(FOXN1):c.1135+20G>A

Gene: FOXN1 (forkhead box N1; plus strand). Cytogenetic location: 17q11.2.
Variant type: single nucleotide variant.
Coding change: c.1135+20G>A on transcript NM_001369369.1 (MANE Select); 20 bases into the intron after coding-DNA position 1135, G replaced by A.
Molecular consequence: intron variant.
Genome position (GRCh38, 1-based): chr17:28,534,558, G>A. VCF-style: chr17-28534558-G-A. GRCh37 (hg19) VCF-style: chr17-26861576-G-A.
Other names: c.1135+20G>A (NM_003593.3).
Identifiers: ClinVar variation 1127854 (VCV001127854.9), dbSNP rs377224791, ClinGen allele CA8459444.

ClinVar aggregate classification (germline): Likely benign. Review status: reviewed by expert panel (3 of 4 stars). 3 submissions from 3 submitters: Likely benign (1). 2 of the submissions do not count toward it. Last evaluated 2024-07-29.

Conditions:
T-cell immunodeficiency, congenital alopecia, and nail dystrophy. Also called: Congenital alopecia and nail dystrophy associated with severe functional T-cell immunodeficiency; Pignata Guarino syndrome. Identifiers: Orphanet 169095, MedGen C1866426, MONDO:0011132, OMIM 601705.

Allele frequency attached by ClinVar (database versions not stated): 1000 Genomes Project 30x 0.00031; 1000 Genomes Project 0.00040; gnomAD 0.00060 and 0.00062; ESP Exome Variant Server 0.00062; ExAC 0.00071.
gnomAD v4.1: 1,509 of 1,610,436 alleles (0.094%); highest among the groups gnomAD compares: Middle Eastern, 0.25%; 1 homozygote.

Submissions (3):

ClinGen Severe Combined Immunodeficiency Variant Curation Expert Panel, ClinGen
Classification: Likely benign for T-cell immunodeficiency, congenital alopecia, and nail dystrophy. Last evaluated: 2024-07-29. Review status: reviewed by expert panel. Criteria: ClinGen SCID ACMG Specifications FOXN1 V1.0.0. Collection method: curation. Allele origin: germline. Inheritance: Semidominant inheritance.
Comment: NM_001369369.1(FOXN1):c.1135+20G>A is an intronic variant. SpliceAI predicts no impact to the splice consensus sequence nor the creation of a new splice site (delta scores 0.00) and the nucleotide is not highly conserved (phyloP score -0.235) (BP4, BP7). In summary this variant meets criteria to be classified as likely benign for semidominant T-cell immunodeficiency, congenital alopecia, and nail dystrophy due to FOXN1 deficiency based on the ACMG/AMP criteria applied: BP4 and BP7 as specified by the ClinGen SCID VCEP FOXN1 subgroup.

Labcorp Genetics (formerly Invitae), Labcorp
Classification: Likely benign for T-cell immunodeficiency, congenital alopecia, and nail dystrophy. Last evaluated: 2026-01-21. Review status: criteria provided, single submitter. Criteria: Invitae Variant Classification Sherloc (09022015). Collection method: clinical testing. Allele origin: germline. Not counted in ClinVar's aggregate classification.

Blueprint Genetics
Classification: Likely benign. Last evaluated: 2024-11-18. Review status: criteria provided, single submitter. Criteria: ACMG Guidelines, 2015. Collection method: clinical testing. Allele origin: germline. Not counted in ClinVar's aggregate classification.